The following is an entry in ClinVar:

NM_000334.4(SCN4A):c.4869A>G (p.Thr1623=)

Genes: GH-LCR (growth hormone locus control region; plus strand), SCN4A (sodium voltage-gated channel alpha subunit 4; minus strand). Cytogenetic location: 17q23.3.
Variant type: single nucleotide variant.
Coding change: c.4869A>G on transcript NM_000334.4 (MANE Select); coding-DNA position 4869, A replaced by G.
Protein change: p.Thr1623=; no amino-acid change (threonine 1623 retained).
Molecular consequence: synonymous variant.
Genome position (GRCh38, 1-based): chr17:63,941,413, T>C on the plus strand (A>G on the coding strand, the complement: SCN4A is on the minus strand). VCF-style: chr17-63941413-T-C. GRCh37 (hg19) VCF-style: chr17-62018773-T-C.
Other names: p.Thr1623=.
Identifiers: ClinVar variation 92864 (VCV000092864.29), dbSNP rs2070720, ClinGen allele CA146051.

ClinVar aggregate classification (germline): Benign/Likely benign. Review status: criteria provided, multiple submitters, no conflicts (2 of 4 stars). 14 submissions from 10 submitters: Benign (13); Likely benign (1). Last evaluated 2026-02-04.

Conditions:
Congenital myasthenic syndrome 16. Identifiers: Orphanet 590, MedGen C3280112, MONDO:0013620, OMIM 614198.
Paramyotonia congenita of Von Eulenburg. Also called: Eulenburg disease; Myotonia congenita intermittens; Von Eulenburg paramyotonia congenita; PARALYSIS PERIODICA PARAMYOTONICA; Paramyotonia Congenita. Identifiers: Orphanet 684, MedGen C0221055, MONDO:0008195, OMIM 168300. Disease mechanism: loss of function.
Potassium-aggravated myotonia. Also called: MYOTONIA CONGENITA, ACETAZOLAMIDE-RESPONSIVE; MYOTONIA CONGENITA, ATYPICAL; SODIUM CHANNEL MUSCLE DISEASE; Myotonia congenita, atypical, acetazolamide-responsive. Identifiers: Orphanet 612, Orphanet 99734, Orphanet 99735, Orphanet 99736, MedGen C2931826, MONDO:0018959, OMIM 608390.
Hypokalemic periodic paralysis, type 2 (HOKPP2). Identifiers: Orphanet 681, MedGen C2750061, MONDO:0013234, OMIM 613345.
Hyperkalemic periodic paralysis. Also called: Familial hyperkalemic periodic paralysis; Gamstorp disease. Identifiers: Orphanet 682, MedGen C0238357, MONDO:0008224, OMIM 170500, HP:0007215.

Allele frequency attached by ClinVar (database versions not stated): TOPMed 0.43640; 1000 Genomes Project 30x 0.42192; gnomAD exomes 0.36795; ExAC 0.37025; gnomAD 0.42605 and 0.43390; 1000 Genomes Project 0.41893; ESP Exome Variant Server 0.42862.

Submissions (14):

Labcorp Genetics (formerly Invitae), Labcorp
Classification: Benign for Hyperkalemic periodic paralysis. Last evaluated: 2026-02-04. Review status: criteria provided, single submitter. Criteria: Invitae Variant Classification Sherloc (09022015). Collection method: clinical testing. Allele origin: germline.

Blueprint Genetics
Classification: Likely benign. Last evaluated: 2024-11-28. Review status: criteria provided, single submitter. Criteria: ACMG Guidelines, 2015. Collection method: clinical testing. Allele origin: germline.

Athena Diagnostics
Classification: Benign. Last evaluated: 2021-03-09. Review status: criteria provided, single submitter. Criteria: Athena Diagnostics Criteria. Collection method: clinical testing. Allele origin: unknown.

Illumina Laboratory Services, Illumina
Classification: Benign for Potassium-aggravated myotonia. Last evaluated: 2018-01-13. Review status: criteria provided, single submitter. Criteria: ICSL Variant Classification Criteria 13 December 2019. Collection method: clinical testing. Allele origin: germline.
Comment: This variant was observed in the ICSL laboratory as part of a predisposition screen in an ostensibly healthy population. It had not been previously curated by ICSL or reported in the Human Gene Mutation Database (HGMD: prior to June 1st, 2018), and was therefore a candidate for classification through an automated scoring system. Utilizing variant allele frequency, disease prevalence and penetrance estimates, and inheritance mode, an automated score was calculated to assess if this variant is too frequent to cause the disease. Based on the score and internal cut-off values, a variant classified as benign is not then subjected to further curation. The score for this variant resulted in a classification of benign for this disease.

Illumina Laboratory Services, Illumina
Classification: Benign for Hyperkalemic periodic paralysis. Last evaluated: 2018-01-13. Review status: criteria provided, single submitter. Criteria: ICSL Variant Classification Criteria 13 December 2019. Collection method: clinical testing. Allele origin: germline.
Comment: the same text as in the submission from Illumina Laboratory Services, Illumina above.

Illumina Laboratory Services, Illumina
Classification: Benign for Congenital myasthenic syndrome 16. Last evaluated: 2018-01-13. Review status: criteria provided, single submitter. Criteria: ICSL Variant Classification Criteria 13 December 2019. Collection method: clinical testing. Allele origin: germline.
Comment: the same text as in the submission from Illumina Laboratory Services, Illumina above.

Illumina Laboratory Services, Illumina
Classification: Benign for Hypokalemic periodic paralysis, type 2. Last evaluated: 2018-01-13. Review status: criteria provided, single submitter. Criteria: ICSL Variant Classification Criteria 13 December 2019. Collection method: clinical testing. Allele origin: germline.
Comment: the same text as in the submission from Illumina Laboratory Services, Illumina above.

Illumina Laboratory Services, Illumina
Classification: Benign for Paramyotonia congenita of Von Eulenburg. Last evaluated: 2018-01-13. Review status: criteria provided, single submitter. Criteria: ICSL Variant Classification Criteria 13 December 2019. Collection method: clinical testing. Allele origin: germline.
Comment: the same text as in the submission from Illumina Laboratory Services, Illumina above.

Mayo Clinic Laboratories, Mayo Clinic
Classification: Benign. Last evaluated: 2017-07-18. Review status: criteria provided, single submitter. Criteria: ACMG Guidelines, 2015. Collection method: clinical testing. Allele origin: germline. Observed: 612 variant alleles.

GeneDx
Classification: Benign. Last evaluated: 2015-03-03. Review status: criteria provided, single submitter. Criteria: GeneDx Variant Classification Process June 2021. Collection method: clinical testing. Allele origin: germline. Affected: yes.

Genetic Services Laboratory, University of Chicago
Classification: Benign for AllHighlyPenetrant. Last evaluated: 2013-08-15. Review status: criteria provided, single submitter. Criteria: ACMG Guidelines, 2007. Collection method: clinical testing. Allele origin: germline. Inheritance: Autosomal recessive inheritance.

Eurofins Ntd Llc (ga)
Classification: Benign. Last evaluated: 2013-07-03. Review status: criteria provided, single submitter. Criteria: EGL Classification Definitions 2015. Collection method: clinical testing. Allele origin: germline. Observed: 4 variant alleles, 3 heterozygotes, 1 homozygote.

Breakthrough Genomics
Classification: Benign. Review status: criteria provided, single submitter. Criteria: ACMG Guidelines, 2015. Collection method: not provided. Allele origin: germline. Inheritance: Autosomal recessive inheritance. Affected: yes.

PreventionGenetics, part of Exact Sciences
Classification: Benign. Review status: criteria provided, single submitter. Criteria: ACMG Guidelines, 2015. Collection method: clinical testing. Allele origin: germline.